The following is an entry in ClinVar:

ClinVar aggregate classification (germline): Uncertain significance (1 of 4 stars; one submission).

gnomAD v4.1: 2 of 1,591,444 alleles (0.00013%); highest among the groups gnomAD compares: Non-Finnish European, 0.000086%; no homozygotes.

Submission:

GeneDx
Classification: Uncertain significance. Last evaluated: 2026-03-10. Review status: criteria provided, single submitter. Criteria: GeneDx Variant Classification Process June 2021. Collection method: clinical testing. Allele origin: germline.
Comment: Not observed at significant frequency in large population cohorts (gnomAD); In silico analysis supports that this missense variant has a deleterious effect on protein structure/function; Has not been previously published as pathogenic or benign to our knowledge

NM_015076.5(CDK19):c.370C>T (p.Pro124Ser)

Gene: CDK19 (cyclin dependent kinase 19; minus strand). Cytogenetic location: 6q21.
Variant type: single nucleotide variant.
Coding change: c.370C>T on transcript NM_015076.5 (MANE Select); coding-DNA position 370, C replaced by T.
Protein change: p.Pro124Ser; replaces proline 124 with serine.
Molecular consequence: missense variant.
Genome position (GRCh38, 1-based): chr6:110,667,520, G>A on the plus strand (C>T on the coding strand, the complement: CDK19 is on the minus strand). VCF-style: chr6-110667520-G-A. GRCh37 (hg19) VCF-style: chr6-110988723-G-A.
Other names: c.370C>T, p.Pro124Ser (NM_001300960.2); c.190C>T, p.Pro64Ser (NM_001300963.2, NM_001300964.2); short protein forms P124S, P64S.
Identifiers: ClinVar variation 4527339 (VCV004527339.2).